The following is an entry in ClinVar:

NM_001351132.2(PEX5):c.149C>T (p.Ala50Val)

Gene: PEX5 (peroxisomal biogenesis factor 5; plus strand). Cytogenetic location: 12p13.31.
Variant type: single nucleotide variant.
Coding change: c.149C>T on transcript NM_001351132.2 (MANE Select); coding-DNA position 149, C replaced by T.
Protein change: p.Ala50Val; replaces alanine 50 with valine.
Molecular consequence: missense variant.
Genome position (GRCh38, 1-based): chr12:7,190,889, C>T. VCF-style: chr12-7190889-C-T. GRCh37 (hg19) VCF-style: chr12-7343485-C-T.
Other names: c.149C>T, p.Ala50Val (NM_000319.5, NM_001131024.2, NM_001131025.2 and 19 more transcripts); c.194C>T, p.Ala65Val (NM_001131023.2, NM_001351135.3, NM_001351138.2); short protein forms A65V, A50V.
Identifiers: ClinVar variation 1041485 (VCV001041485.7), dbSNP rs1311355339, ClinGen allele CA383709924.

ClinVar aggregate classification (germline): Uncertain significance (1 of 4 stars; one submission).

Conditions:
Peroxisome biogenesis disorder 2B (PBD2B). Identifiers: Orphanet 44, MedGen C3550234, MONDO:0008736, OMIM 202370.

Allele frequency attached by ClinVar (database versions not stated): gnomAD 0.00001; TOPMed 0.00001.

Submission:

Labcorp Genetics (formerly Invitae), Labcorp
Classification: Uncertain significance for Peroxisome biogenesis disorder 2B. Last evaluated: 2022-08-23. Review status: criteria provided, single submitter. Criteria: Invitae Variant Classification Sherloc (09022015). Collection method: clinical testing. Allele origin: germline.
Comment: Algorithms developed to predict the effect of sequence changes on RNA splicing suggest that this variant may disrupt the consensus splice site. In summary, the available evidence is currently insufficient to determine the role of this variant in disease. Therefore, it has been classified as a Variant of Uncertain Significance. Algorithms developed to predict the effect of missense changes on protein structure and function output the following: SIFT: "Tolerated"; PolyPhen-2: "Benign"; Align-GVGD: "Class C0". The valine amino acid residue is found in multiple mammalian species, which suggests that this missense change does not adversely affect protein function. ClinVar contains an entry for this variant (Variation ID: 1041485). This variant has not been reported in the literature in individuals affected with PEX5-related conditions. This variant is not present in population databases (gnomAD no frequency). This sequence change replaces alanine, which is neutral and non-polar, with valine, which is neutral and non-polar, at codon 50 of the PEX5 protein (p.Ala50Val).